The following is an entry in ClinVar:

NM_000405.5(GM2A):c.184G>A (p.Gly62Arg)

Gene: GM2A (ganglioside GM2 activator; plus strand). Cytogenetic location: 5q33.1.
Variant type: single nucleotide variant.
Coding change: c.184G>A on transcript NM_000405.5 (MANE Select); coding-DNA position 184, G replaced by A.
Protein change: p.Gly62Arg; replaces glycine 62 with arginine.
Molecular consequence: missense variant.
Genome position (GRCh38, 1-based): chr5:151,259,857, G>A. VCF-style: chr5-151259857-G-A. GRCh37 (hg19) VCF-style: chr5-150639418-G-A.
Other names: c.184G>A, p.Gly62Arg (NM_001167607.3); short protein forms G62R.
Identifiers: ClinVar variation 2132691 (VCV002132691.4), dbSNP rs2531746287, ClinGen allele CA361805935.

ClinVar aggregate classification (germline): Uncertain significance (1 of 4 stars; one submission).

Conditions:
Tay-Sachs disease, variant AB. Also called: GM2 Activator Deficiency; Gm2-gangliosidosis, ab variant. Identifiers: Orphanet 309246, MedGen C0268275, MONDO:0010099, OMIM 272750.

Submission:

Labcorp Genetics (formerly Invitae), Labcorp
Classification: Uncertain significance for Tay-Sachs disease, variant AB. Last evaluated: 2022-05-03. Review status: criteria provided, single submitter. Criteria: Invitae Variant Classification Sherloc (09022015). Collection method: clinical testing. Allele origin: germline.
Comment: In summary, the available evidence is currently insufficient to determine the role of this variant in disease. Therefore, it has been classified as a Variant of Uncertain Significance. Algorithms developed to predict the effect of missense changes on protein structure and function are either unavailable or do not agree on the potential impact of this missense change (SIFT: "Deleterious"; PolyPhen-2: "Probably Damaging"; Align-GVGD: "Class C15"). This variant has not been reported in the literature in individuals affected with GM2A-related conditions. This variant is not present in population databases (gnomAD no frequency). This sequence change replaces glycine, which is neutral and non-polar, with arginine, which is basic and polar, at codon 62 of the GM2A protein (p.Gly62Arg).